The following is an entry in ClinVar:

ClinVar aggregate classification (germline): Uncertain significance (1 of 4 stars; one submission).

Conditions:
Myasthenic syndrome, congenital, 22 (CMS22). Also called: PREPL DEFICIENCY. Identifiers: MedGen C4479088, MONDO:0044299, OMIM 616224.

Allele frequency attached by ClinVar (database versions not stated): gnomAD exomes below 0.00001; ExAC 0.00001; TOPMed 0.00002.

Submission:

Labcorp Genetics (formerly Invitae), Labcorp
Classification: Uncertain significance for Myasthenic syndrome, congenital, 22. Last evaluated: 2022-03-04. Review status: criteria provided, single submitter. Criteria: Invitae Variant Classification Sherloc (09022015). Collection method: clinical testing. Allele origin: germline.
Comment: This variant is present in population databases (rs760265313, gnomAD 0.006%). This variant has not been reported in the literature in individuals affected with PREPL-related conditions. Algorithms developed to predict the effect of missense changes on protein structure and function (SIFT, PolyPhen-2, Align-GVGD) all suggest that this variant is likely to be tolerated. In summary, the available evidence is currently insufficient to determine the role of this variant in disease. Therefore, it has been classified as a Variant of Uncertain Significance. This sequence change replaces proline, which is neutral and non-polar, with serine, which is neutral and polar, at codon 332 of the PREPL protein (p.Pro332Ser).

NM_001171613.2(PREPL):c.727C>T (p.Pro243Ser)

Gene: PREPL (prolyl endopeptidase like; minus strand). Cytogenetic location: 2p21.
Variant type: single nucleotide variant.
Coding change: c.727C>T on transcript NM_001171613.2 (MANE Select); coding-DNA position 727, C replaced by T.
Protein change: p.Pro243Ser; replaces proline 243 with serine.
Molecular consequence: missense variant. On other transcripts: intron variant (1).
Genome position (GRCh38, 1-based): chr2:44,338,512, G>A on the plus strand (C>T on the coding strand, the complement: PREPL is on the minus strand). VCF-style: chr2-44338512-G-A. GRCh37 (hg19) VCF-style: chr2-44565651-G-A.
Other names: c.994C>T, p.Pro332Ser (NM_001042386.2, NM_001171603.1, NM_001171606.2 and 3 more transcripts); c.727C>T, p.Pro243Ser (NM_001171617.1, NM_001374277.1); c.969+635C>T (NM_001042385.2); short protein forms P332S, P243S.
Identifiers: ClinVar variation 1976490 (VCV001976490.5), dbSNP rs760265313, ClinGen allele CA1641357.